The following is an entry in ClinVar:

ClinVar aggregate classification (germline): Uncertain significance (1 of 4 stars; one submission).

gnomAD v4.1: 2 of 1,614,094 alleles (0.00012%); highest among the groups gnomAD compares: South Asian, 0.0022%; no homozygotes.

Submission:

Women's Health and Genetics/Laboratory Corporation of America, LabCorp
Classification: Uncertain significance. Last evaluated: 2024-09-26. Review status: criteria provided, single submitter. Criteria: LabCorp Variant Classification Summary - May 2015. Collection method: clinical testing. Allele origin: germline.
Comment: Variant summary: MUT c.2099T>C (p.Met700Thr) results in a non-conservative amino acid change located in the Cobalamin (vitamin B12)-binding domain (IPR006158) of the encoded protein sequence. Three of five in-silico tools predict a benign effect of the variant on protein function. The variant allele was found at a frequency of 4e-06 in 251394 control chromosomes. The available data on variant occurrences in the general population are insufficient to allow any conclusion about variant significance. c.2099T>C has been reported in the literature in at least one heterozygous individual affected with Methylmalonic Acidemia, who also carried a homozygous frameshift variant (MUT c.271dupA) (e.g. Peng_2019). This report does not provide unequivocal conclusions about association of the variant with Methylmalonic Acidemia. To our knowledge, no experimental evidence demonstrating an impact on protein function has been reported. The following publication has been ascertained in the context of this evaluation (PMID: 30209273). No submitters have cited clinical-significance assessments for this variant to ClinVar. Based on the evidence outlined above, the variant was classified as uncertain significance.

Literature cited by the submitters: PubMed 30209273.

NM_000255.4(MMUT):c.2099T>C (p.Met700Thr)

Gene: MMUT (methylmalonyl-CoA mutase; minus strand). Cytogenetic location: 6p12.3.
Variant type: single nucleotide variant.
Coding change: c.2099T>C on transcript NM_000255.4 (MANE Select); coding-DNA position 2099, T replaced by C.
Protein change: p.Met700Thr; replaces methionine 700 with threonine.
Molecular consequence: missense variant.
Genome position (GRCh38, 1-based): chr6:49,435,481, A>G on the plus strand (T>C on the coding strand, the complement: MMUT is on the minus strand). VCF-style: chr6-49435481-A-G. GRCh37 (hg19) VCF-style: chr6-49403194-A-G.
Other names: short protein forms M700T.
Identifiers: ClinVar variation 3375183 (VCV003375183.1).